The following is an entry in ClinVar:

ClinVar aggregate classification (germline): Uncertain significance (1 of 4 stars; one submission).

Conditions:
Alpha thalassemia-X-linked intellectual disability syndrome (ATRX). Also called: ATR, NONDELETION TYPE; ATR-X syndrome; Alpha thalassemia mental retardation syndrome, nondeletion type, X-linked; XLMR hypotonic face syndrome; ALPHA-THALASSEMIA/MENTAL RETARDATION SYNDROME, X-LINKED; X-linked alpha-thalassemia-mental retardation syndrome. Identifiers: Orphanet 847, MedGen C1845055, MONDO:0010519, OMIM 301040.

Allele frequency attached by ClinVar (database versions not stated): TOPMed 0.00001; gnomAD exomes below 0.00001.
gnomAD v4.1: 2 of 1,207,965 alleles (0.00017%); highest among the groups gnomAD compares: Non-Finnish European, 0.00022%; no homozygotes.

Submission:

Labcorp Genetics (formerly Invitae), Labcorp
Classification: Uncertain significance for Alpha thalassemia-X-linked intellectual disability syndrome. Last evaluated: 2022-10-17. Review status: criteria provided, single submitter. Criteria: Invitae Variant Classification Sherloc (09022015). Collection method: clinical testing. Allele origin: germline.
Comment: This sequence change replaces lysine, which is basic and polar, with threonine, which is neutral and polar, at codon 372 of the ATRX protein (p.Lys372Thr). This variant is not present in population databases (gnomAD no frequency). This variant has not been reported in the literature in individuals affected with ATRX-related conditions. Advanced modeling of protein sequence and biophysical properties (such as structural, functional, and spatial information, amino acid conservation, physicochemical variation, residue mobility, and thermodynamic stability) performed at Invitae indicates that this missense variant is not expected to disrupt ATRX protein function. In summary, the available evidence is currently insufficient to determine the role of this variant in disease. Therefore, it has been classified as a Variant of Uncertain Significance.

NM_000489.6(ATRX):c.1115A>C (p.Lys372Thr)

Gene: ATRX (ATRX chromatin remodeler; minus strand). Cytogenetic location: Xq21.1.
Variant type: single nucleotide variant.
Coding change: c.1115A>C on transcript NM_000489.6 (MANE Select); coding-DNA position 1115, A replaced by C.
Protein change: p.Lys372Thr; replaces lysine 372 with threonine.
Molecular consequence: missense variant.
Genome position (GRCh38, 1-based): chrX:77,684,141, T>G on the plus strand (A>C on the coding strand, the complement: ATRX is on the minus strand). VCF-style: chrX-77684141-T-G. GRCh37 (hg19) VCF-style: chrX-76939633-T-G.
Other names: c.1001A>C, p.Lys334Thr (NM_138270.5); short protein forms K334T, K372T.
Identifiers: ClinVar variation 1931347 (VCV001931347.2), dbSNP rs2071420217, ClinGen allele CA413719427.